The following is an entry in ClinVar:

ClinVar aggregate classification (germline): Likely pathogenic (1 of 4 stars; one submission).

Conditions:
Myopathy, lactic acidosis, and sideroblastic anemia. Also called: Mitochondrial myopathy and sideroblastic anemia; Myopathy with lactic acidosis and sideroblastic anemia. Identifiers: Orphanet 2598, MedGen C1838103, MONDO:0000863.

Submission:

Natera, Inc.
Classification: Likely pathogenic for Mitochondrial myopathy and sideroblastic anemia. Last evaluated: 2024-11-14. Review status: criteria provided, single submitter. Criteria: Natera Variant Classification Schema (03/2026). Collection method: clinical testing. Allele origin: germline.
Comment: The c.147del variant in PUS1 is a frameshift variant predicted to shift the reading frame and introduce a stop codon. This variant is expected to result in nonsense mediated decay, truncation, or a dysfunctional protein product. This variant is rare in the general population with a frequency below the threshold expected for the associated phenotype(s). Given the available evidence, this variant is classified as Likely Pathogenic.

NM_025215.6(PUS1):c.147del (p.Ser48_Cys49insTer)

Genes: PUS1 (pseudouridine synthase 1; plus strand), LOC130009240 (ATAC-STARR-seq lymphoblastoid silent region 5107; plus strand). Cytogenetic location: 12q24.33.
Variant type: Deletion.
Coding change: c.147del on transcript NM_025215.6 (MANE Select); coding-DNA position 147, one base deleted (C; older notation c.147delC).
Protein change: p.Ser48_Cys49insTer.
Molecular consequence: nonsense.
Genome position (GRCh38, 1-based): chr12:131,929,979, C deleted. VCF-style (leftmost placement, unchanged base first): chr12-131929978-GC-G. GRCh37 (hg19) VCF-style: chr12-132414523-GC-G.
Other names: c.63del, p.Ser20_Cys21insTer (NM_001002019.3, NM_001002020.3).
Identifiers: ClinVar variation 4816252 (VCV004816252.1).